The following is an entry in ClinVar:

ClinVar aggregate classification (germline): Pathogenic. Review status: criteria provided, single submitter (1 of 4 stars). 2 submissions from 2 submitters: Pathogenic (1). 1 of the submissions does not count toward it. Last evaluated 2026-01-28.

Conditions:
Galactosylceramide beta-galactosidase deficiency. Also called: Krabbe Disease; GALACTOCEREBROSIDASE DEFICIENCY; GALC DEFICIENCY; GLOBOID CELL LEUKOENCEPHALOPATHY; Leukodystrophy, Globoid Cell. Identifiers: Orphanet 487, MedGen C0023521, MONDO:0009499, OMIM 245200.

Allele frequency attached by ClinVar (database versions not stated): TOPMed 0.00001.
gnomAD v4.1: 3 of 1,555,306 alleles (0.00019%); highest among the groups gnomAD compares: South Asian, 0.0012%; no homozygotes.

Submissions (2):

Labcorp Genetics (formerly Invitae), Labcorp
Classification: Pathogenic for Galactosylceramide beta-galactosidase deficiency. Last evaluated: 2026-01-28. Review status: criteria provided, single submitter. Criteria: Invitae Variant Classification Sherloc (09022015). Collection method: clinical testing. Allele origin: germline.
Comment: This sequence change creates a premature translational stop signal (p.Tyr43*) in the GALC gene. It is expected to result in an absent or disrupted protein product. Loss-of-function variants in GALC are known to be pathogenic (PMID: 7437911, 9272171, 16607461). This variant is not present in population databases (gnomAD no frequency). This variant has not been reported in the literature in individuals affected with GALC-related conditions. ClinVar contains an entry for this variant (Variation ID: 557283). Algorithms developed to predict the effect of sequence changes on RNA splicing suggest that this variant may create or strengthen a splice site. For these reasons, this variant has been classified as Pathogenic.

Counsyl
Classification: Likely pathogenic for Galactosylceramide beta-galactosidase deficiency. Last evaluated: 2018-03-14. Review status: no assertion criteria provided. Collection method: clinical testing. Allele origin: unknown. Not counted in ClinVar's aggregate classification.

Literature cited by the submitters: PubMed 7437911 (cited by Labcorp Genetics (formerly Invitae), Labcorp); PubMed 9272171 (cited by Labcorp Genetics (formerly Invitae), Labcorp); PubMed 16607461 (cited by Labcorp Genetics (formerly Invitae), Labcorp).

NM_000153.4(GALC):c.129C>A (p.Tyr43Ter)

Genes: GALC (galactosylceramidase; minus strand), LOC130056217 (ATAC-STARR-seq lymphoblastoid silent region 5988; plus strand). Cytogenetic location: 14q31.3.
Variant type: single nucleotide variant.
Coding change: c.129C>A on transcript NM_000153.4 (MANE Select); coding-DNA position 129, C replaced by A.
Protein change: p.Tyr43Ter; replaces tyrosine 43 with a stop codon.
Molecular consequence: nonsense. On other transcripts: intron variant (1).
Genome position (GRCh38, 1-based): chr14:87,993,036, G>T on the plus strand (C>A on the coding strand, the complement: GALC is on the minus strand). VCF-style: chr14-87993036-G-T. GRCh37 (hg19) VCF-style: chr14-88459380-G-T.
Other names: c.129C>A, p.Tyr43Ter (NM_001201401.2); c.117+347C>A (NM_001201402.2); short protein forms Y43*.
Identifiers: ClinVar variation 557283 (VCV000557283.3), dbSNP rs1057516816, ClinGen allele CA390771780.